The following is an entry in ClinVar:

NM_001211.6(BUB1B):c.1535A>G (p.Glu512Gly)

Gene: BUB1B (BUB1 mitotic checkpoint serine/threonine kinase B; plus strand). Cytogenetic location: 15q15.1.
Variant type: single nucleotide variant.
Coding change: c.1535A>G on transcript NM_001211.6 (MANE Select); coding-DNA position 1535, A replaced by G.
Protein change: p.Glu512Gly; replaces glutamic acid 512 with glycine.
Molecular consequence: missense variant.
Genome position (GRCh38, 1-based): chr15:40,200,948, A>G. VCF-style: chr15-40200948-A-G. GRCh37 (hg19) VCF-style: chr15-40493149-A-G.
Other names: short protein forms E512G.
Identifiers: ClinVar variation 1061723 (VCV001061723.9), dbSNP rs747225593, ClinGen allele CA7475792.

ClinVar aggregate classification (germline): Uncertain significance (1 of 4 stars; one submission).

Conditions:
Mosaic variegated aneuploidy syndrome 1 (MVA1). Also called: Warburton-Anyane-Yeboa syndrome. Identifiers: Orphanet 1052, MedGen C1850343, MONDO:0009759, OMIM 257300.

Allele frequency attached by ClinVar (database versions not stated): ExAC 0.00001; gnomAD exomes 0.00001 and 0.00003; TOPMed 0.00001.
gnomAD v4.1: 11 of 1,613,418 alleles (0.00068%); highest among the groups gnomAD compares: Middle Eastern, 0.083%; no homozygotes.

Submission:

Labcorp Genetics (formerly Invitae), Labcorp
Classification: Uncertain significance for Mosaic variegated aneuploidy syndrome 1. Last evaluated: 2025-04-23. Review status: criteria provided, single submitter. Criteria: Invitae Variant Classification Sherloc (09022015). Collection method: clinical testing. Allele origin: germline.
Comment: This sequence change replaces glutamic acid, which is acidic and polar, with glycine, which is neutral and non-polar, at codon 512 of the BUB1B protein (p.Glu512Gly). This variant is present in population databases (rs747225593, gnomAD 0.004%). This variant has not been reported in the literature in individuals affected with BUB1B-related conditions. ClinVar contains an entry for this variant (Variation ID: 1061723). An algorithm developed to predict the effect of missense changes on protein structure and function (PolyPhen-2) suggests that this variant is likely to be tolerated. In summary, the available evidence is currently insufficient to determine the role of this variant in disease. Therefore, it has been classified as a Variant of Uncertain Significance.